The following is an entry in ClinVar:

ClinVar aggregate classification (germline): Pathogenic (1 of 4 stars; one submission).

Submission:

Labcorp Genetics (formerly Invitae), Labcorp
Classification: Pathogenic. Last evaluated: 2022-03-14. Review status: criteria provided, single submitter. Criteria: Invitae Variant Classification Sherloc (09022015). Collection method: clinical testing. Allele origin: germline.
Comment: This sequence change creates a premature translational stop signal (p.Trp13*) in the PPP2CA gene. It is expected to result in an absent or disrupted protein product. Loss-of-function variants in PPP2CA are known to be pathogenic (PMID: 30595372). This variant is not present in population databases (gnomAD no frequency). This variant has not been reported in the literature in individuals affected with PPP2CA-related conditions. For these reasons, this variant has been classified as Pathogenic.

Literature cited by the submitters: PubMed 30595372.

NM_002715.4(PPP2CA):c.38G>A (p.Trp13Ter)

Genes: MIR3661 (microRNA 3661; plus strand), PPP2CA (protein phosphatase 2 catalytic subunit alpha; minus strand). Cytogenetic location: 5q31.1.
Variant type: single nucleotide variant.
Coding change: c.38G>A on transcript NM_002715.4 (MANE Select); coding-DNA position 38, G replaced by A.
Protein change: p.Trp13Ter; replaces tryptophan 13 with a stop codon.
Molecular consequence: nonsense. On other transcripts: non-coding transcript variant (1).
Genome position (GRCh38, 1-based): chr5:134,225,824, C>T on the plus strand (G>A on the coding strand, the complement: PPP2CA is on the minus strand). VCF-style: chr5-134225824-C-T. GRCh37 (hg19) VCF-style: chr5-133561515-C-T.
Other names: short protein forms W13*.
Identifiers: ClinVar variation 2111526 (VCV002111526.4), dbSNP rs2481101940, ClinGen allele CA360996118.